The following is an entry in ClinVar:

NM_000061.3(BTK):c.1821_1832del (p.Glu608_Ala611del)

Gene: BTK (Bruton tyrosine kinase; minus strand). Cytogenetic location: Xq22.1.
Variant type: Deletion.
Coding change: c.1821_1832del on transcript NM_000061.3 (MANE Select); coding-DNA positions 1821 to 1832, 12 bases deleted (TGAACACATTGC).
Protein change: p.Glu608_Ala611del.
Molecular consequence: inframe deletion.
Genome position (GRCh38, 1-based): chrX:101,353,270-101,353,281, GCAATGTGTTCA deleted on the plus strand (TGAACACATTGC on the coding strand, the reverse complement: BTK is on the minus strand); deleting any 12 consecutive bases within chrX:101,353,270-101,353,284 gives the same sequence; the c. name uses the placement nearest the transcript's 3' end. VCF-style (leftmost placement, unchanged base first): chrX-101353269-GGCAATGTGTTCA-G. GRCh37 (hg19) VCF-style: chrX-100608257-GGCAATGTGTTCA-G.
Other names: c.1923_1934del, p.Glu642_Ala645del (NM_001287344.2); c.1293_1304del, p.Glu432_Ala435del (NM_001287345.2).
Identifiers: ClinVar variation 2443086 (VCV002443086.2), dbSNP rs2520527836, ClinGen allele CA2580100132.
Genomic context (GRCh38, chrX:101,353,269, plus strand): 5'-GTACATGATGGTATATACCTTCTCTGAAGCCAGATGAGGCCTGTAGAGACGTAGGCCTTG[GGCAATGTGTTCA>G]GCAGTCTCACTGTTAGTAAATCTCTCATATGGCATCTTCCCCAGGGAGTAAATTTCCCAC-3'

ClinVar aggregate classification (germline): Uncertain significance (0 of 4 stars; one submission).

Submission:

Genetic Services Laboratory, University of Chicago
Classification: Uncertain significance. Last evaluated: 2022-08-26. Review status: no assertion criteria provided. Collection method: clinical testing. Allele origin: germline. Affected: no.
Comment: DNA sequence analysis of the BTK demonstrated a 12 base pair deletion in exon 18, c.1821_1832del. This in-frame deletion is predicted to result in the deletion of 4 amino acid residues, p.Glu608_Ala611del. This deletion does not appear to have been previously described in individuals with BTK -related disorders. This deletion has not been described in population databases such as ExAC and gnomAD. The functional significance of this sequence change is not known at present and its contribution to this individual's disease phenotype cannot definitively be determined.